The following is an entry in ClinVar:

ClinVar aggregate classification (germline): Pathogenic (1 of 4 stars; one submission).

Conditions:
Ceroid lipofuscinosis, neuronal, 6A. Also called: Neuronal ceroid lipofuscinosis, Gypsy/Indian early juvenile variant; Neuronal ceroid lipofuscinosis 6; CLN6-Related Neuronal Ceroid-Lipofuscinosis; Neuronal ceroid lipofuscinosis, late infantile, variant. Identifiers: Orphanet 168491, Orphanet 228363, MedGen C5551375, MONDO:0011144, OMIM 601780.

Submission:

Human Genome Lab, NIMHANS, National Institute of Mental Health and Neuro Sciences
Classification: Pathogenic for Ceroid lipofuscinosis, neuronal, 6A. Review status: criteria provided, single submitter. Criteria: ACMG Guidelines, 2015. Collection method: clinical testing. Allele origin: germline. Inheritance: Autosomal recessive inheritance. Affected: yes. Observed: 1 homozygote.
Comment: The missense variant NM_017882.3:c.278C>A causes a change at the same amino acid residue as a previously established pathogenic variant. Another amino acid change at the same position(p.Thr93Met) has been previously reported as likely pathogenic in ClinVar [Accession ID: VCV000205183.19]. The NP_060352.1:p.Thr93Lys variant is novel (not in any individuals) in 1000 Genomes, in gnomAD as well as in our inhouse database. There is a moderate physicochemical difference between threonine and lysine. 2 variants within 6 amino acid positions of the variant p.Thr93Lys have been shown to be pathogenic, while none have been shown to be benign. The p.Thr93Lys missense variant is predicted to be damaging by both SIFT and PolyPhen2. The threonine residue at codon 93 of CLN6 is conserved in all mammalian species. The nucleotide c.278 in CLN6 is predicted conserved by GERP++ and PhyloP across 100 vertebrates. In addition, the patient's clinical phenotype matches with that of the disorder caused by pathogenic variants in CLN6 gene. For these reasons, this variant has been classified as Pathogenic (PM2 PM1 PP3 PM5 PP4_Strong).

NM_017882.3(CLN6):c.278C>A (p.Thr93Lys)

Gene: CLN6 (CLN6 transmembrane ER protein; minus strand). Cytogenetic location: 15q23.
Variant type: single nucleotide variant.
Coding change: c.278C>A on transcript NM_017882.3 (MANE Select); coding-DNA position 278, C replaced by A.
Protein change: p.Thr93Lys; replaces threonine 93 with lysine.
Molecular consequence: missense variant.
Genome position (GRCh38, 1-based): chr15:68,214,309, G>T on the plus strand (C>A on the coding strand, the complement: CLN6 is on the minus strand). VCF-style: chr15-68214309-G-T. GRCh37 (hg19) VCF-style: chr15-68506647-G-T.
Other names: c.374C>A, p.Thr125Lys (NM_001411068.1); short protein forms T125K, T93K.
Identifiers: ClinVar variation 2627623 (VCV002627623.2), dbSNP rs150001589, ClinGen allele CA392974347.